The following is an entry in ClinVar:

ClinVar aggregate classification (germline): Pathogenic (1 of 4 stars; one submission).

Submission:

GeneDx
Classification: Pathogenic. Last evaluated: 2022-09-16. Review status: criteria provided, single submitter. Criteria: GeneDx Variant Classification Process June 2021. Collection method: clinical testing. Allele origin: germline. Affected: yes.
Comment: Frameshift variant predicted to result in protein truncation or nonsense mediated decay in a gene for which loss of function is a known mechanism of disease; Not observed at significant frequency in large population cohorts (gnomAD); This variant is associated with the following publications: (PMID: 31740684, 32901917)

NM_001009944.3(PKD1):c.12100del (p.Val4034fs)

Gene: PKD1 (polycystin 1, transient receptor potential channel interacting; minus strand). Cytogenetic location: 16p13.3.
Variant type: Deletion.
Coding change: c.12100del on transcript NM_001009944.3 (MANE Select); coding-DNA position 12100, one base deleted (G; older notation c.12100delG).
Protein change: p.Val4034fs; shifts the reading frame from valine 4034.
Molecular consequence: frameshift variant.
Genome position (GRCh38, 1-based): chr16:2,090,712, C deleted on the plus strand (G on the coding strand, the reverse complement: PKD1 is on the minus strand); the first of 2 consecutive C bases (chr16:2,090,712-2,090,713); deleting either gives the same sequence. VCF-style (leftmost placement, unchanged base first): chr16-2090711-AC-A. GRCh37 (hg19) VCF-style: chr16-2140712-AC-A.
Other names: c.12097del, p.Val4033fs (NM_000296.4); c.12099delG, p.Val4034Trpfs (NM_001009944.2); short protein forms V4033fs, V4034fs.
Identifiers: ClinVar variation 2443533 (VCV002443533.1), dbSNP rs2544592433, ClinGen allele CA2580091174.
Genomic context (GRCh38, chr16:2,090,711, plus strand): 5'-TCCCCGGCCGCGCAGTCACCTACCAGGATGGCCAGCTGGGCGTAGGCTACCCCGAGCACC[AC>A]CAGGCCCAAGGTGACCCCCAGGAGCTCTGGCAGAGCTCGGCATAATGTCTTGCCAAAGAC-3'